The following continues an entry in ClinVar:

NM_000059.4(BRCA2):c.8954-1_8955delinsAA

Gene: BRCA2. ClinVar aggregate classification (germline): Pathogenic. Pathogenic (1).

Submissions 8 to 11 of 11:

KCCC/NGS Laboratory, Kuwait Cancer Control Center
Classification: Pathogenic for Breast-ovarian cancer, familial, susceptibility to, 2. Last evaluated: 2023-08-29. Review status: criteria provided, single submitter. Criteria: ACMG Guidelines, 2015. Collection method: clinical testing. Allele origin: germline. Inheritance: Autosomal dominant inheritance. Affected: yes. Observed: 1 heterozygote. Not counted in ClinVar's aggregate classification.
Comment: This variant, c.8954-1_8955delGTTinsAA, is a complex sequence change that affects an acceptor splice site in intron 22 of the BRCA2 gene. It is expected to disrupt RNA splicing and likely results in an absent or disrupted protein product. Loss-of-function variants in BRCA2 are known to be pathogenic. The variant was absent in 250792 control chromosomes (gnomAD).This alteration has been identified in numerous individuals from breast and ovarian cancer families (PMID: 28152038, 28476184, 22632462, 19996028, 23451180, 31341520, 31131967, 33484353, 32438681). In silico splice site analysis predicts that this alteration will weaken the native splice donor site. Experimental in vitro studies variant have shown that this complex change results in exon skipping (PMID: 23451180, 22632462). For these reasons, this variant has been classified as Pathogenic.

GeneDx
Classification: Pathogenic. Last evaluated: 2022-06-20. Review status: criteria provided, single submitter. Criteria: GeneDx Variant Classification Process June 2021. Collection method: clinical testing. Allele origin: germline. Affected: yes. Not counted in ClinVar's aggregate classification.
Comment: Canonical splice site variant predicted to result in a null allele in a gene for which loss of function is a known mechanism of disease (Acedo 2012, Colombo 2013); Observed in individuals with a personal and/or family history consistent with pathogenic variants in this gene and other cancers in published literature (Oktay 2010, Johnson 2017, Santonocito 2020, Vietri 2021); Multifactorial likelihood analysis suggests this variant is pathogenic (Parsons 2019); Truncating variants in this gene are considered pathogenic by a well-established clinical consortium and/or database; Not observed at significant frequency in large population cohorts (gnomAD); Also known as 9182-1_9183delGTTinsAA; This variant is associated with the following publications: (PMID: 28152038, 28476184, 22632462, 19996028, 23451180, 31341520, 31131967, 33484353, 32438681)

Sema4
Classification: Pathogenic for Hereditary cancer-predisposing syndrome. Last evaluated: 2021-11-13. Review status: criteria provided, single submitter. Criteria: Sema4 Curation Guidelines. Collection method: curation. Allele origin: germline. Not counted in ClinVar's aggregate classification.
Comment: The BRCA2 c.8954-1_8955delGTTinsAA variant has been reported in heterozygosity in individuals with hereditary breast and/or ovarian cancer (PMID: 19996028, 30128899, 31341520, 28476184). This variant overlaps with the consensus splice site of intron 22. Splicing assays indicate that this variant results in the deletion of 51 bps at the 5' end of exon 23 and the skipping of exon 23, impairing the protein's ability to bind with DSS1 and ssDNA (PMID: 22632462, 23451180). Loss of function variants in BRCA2 are known to be pathogenic (PMID: 29446198). It was not observed in the large and broad cohorts of the Genome Aggregation Database (PMID: 32461654). This variant has been reported in ClinVar (Variation ID: 142095). Based on the current evidence available, this variant is interpreted as pathogenic.

Consortium of Investigators of Modifiers of BRCA1/2 (CIMBA), c/o University of Cambridge
Classification: Pathogenic for Breast-ovarian cancer, familial, susceptibility to, 2. Last evaluated: 2015-10-02. Review status: criteria provided, single submitter. Criteria: CIMBA Mutation Classification guidelines May 2016. Collection method: clinical testing. Allele origin: germline. Not counted in ClinVar's aggregate classification.

Literature cited by the submitters: PubMed 31131967 (cited by Evidence-based Network for the Interpretation of Germline Mutant Alleles (ENIGMA) and Ambry Genetics); PubMed 16199547 (cited by Labcorp Genetics (formerly Invitae), Labcorp); PubMed 20104584 (cited by Labcorp Genetics (formerly Invitae), Labcorp); PubMed 19996028 (cited by 4 submitters); PubMed 33484353 (cited by 3 submitters); PubMed 23451180 (cited by 5 submitters); PubMed 22632462 (cited by 4 submitters); PubMed 29446198 (cited by 4 submitters); PubMed 30128899 (cited by 4 submitters); PubMed 31341520 (cited by 3 submitters); PubMed 28476184 (cited by Women's Health and Genetics/Laboratory Corporation of America, LabCorp and Sema4); PubMed 8988179 (cited by All of Us Research Program, National Institutes of Health); PubMed 11897832 (cited by All of Us Research Program, National Institutes of Health); PubMed 27060066 (cited by All of Us Research Program, National Institutes of Health); PubMed 27616075 (cited by All of Us Research Program, National Institutes of Health); PubMed 33573335 (cited by All of Us Research Program, National Institutes of Health); PubMed 24171766 (cited by Ambry Genetics); PubMed 28222693 (cited by Ambry Genetics); PubMed 31209999 (cited by Ambry Genetics); PubMed 31343793 (cited by Ambry Genetics).